The following is an entry in ClinVar:

NM_130837.3(OPA1):c.2293A>G (p.Lys765Glu)

Gene: OPA1 (OPA1 mitochondrial dynamin like GTPase; plus strand). Cytogenetic location: 3q29.
Variant type: single nucleotide variant.
Coding change: c.2293A>G on transcript NM_130837.3 (MANE Select); coding-DNA position 2293, A replaced by G.
Protein change: p.Lys765Glu; replaces lysine 765 with glutamic acid.
Molecular consequence: missense variant.
Genome position (GRCh38, 1-based): chr3:193,657,194, A>G. VCF-style: chr3-193657194-A-G. GRCh37 (hg19) VCF-style: chr3-193374983-A-G.
Other names: c.1759A>G, p.Lys587Glu (NM_001354663.2); c.1756A>G, p.Lys586Glu (NM_001354664.2); c.2128A>G, p.Lys710Glu (NM_015560.3); c.2020A>G, p.Lys674Glu (NM_130831.3); c.2074A>G, p.Lys692Glu (NM_130832.3); c.2131A>G, p.Lys711Glu (NM_130833.3); c.2182A>G, p.Lys728Glu (NM_130834.3); c.2185A>G, p.Lys729Glu (NM_130835.3); and 1 more; short protein forms K587E, K711E, K728E, K729E, K765E, K674E, K692E, K747E.
Identifiers: ClinVar variation 2201476 (VCV002201476.5), dbSNP rs772382178, ClinGen allele CA2759618.

ClinVar aggregate classification (germline): Likely benign. Review status: criteria provided, single submitter (1 of 4 stars). 2 submissions from 2 submitters: Likely benign (1). 1 of the submissions does not count toward it. Last evaluated 2024-11-19.

Conditions:
OPA1-related disorder. Also called: OPA1-related condition; OPA1-related disorders.

Allele frequency attached by ClinVar (database versions not stated): gnomAD exomes 0.00001; TOPMed 0.00001; ExAC 0.00002.
gnomAD v4.1: 4 of 1,614,038 alleles (0.00025%); highest among the groups gnomAD compares: Admixed American, 0.0067%; no homozygotes.

Submissions (2):

Labcorp Genetics (formerly Invitae), Labcorp
Classification: Likely benign. Last evaluated: 2024-11-19. Review status: criteria provided, single submitter. Criteria: Invitae Variant Classification Sherloc (09022015). Collection method: clinical testing. Allele origin: germline.

PreventionGenetics, part of Exact Sciences
Classification: Uncertain significance for OPA1-related condition. Last evaluated: 2024-08-18. Review status: no assertion criteria provided. Collection method: clinical testing. Allele origin: germline. Not counted in ClinVar's aggregate classification.
Comment: The OPA1 c.2293A>G variant is predicted to result in the amino acid substitution p.Lys765Glu. To our knowledge, this variant has not been reported in the literature. This variant is reported in 0.012% of alleles in individuals of Latino descent in gnomAD. At this time, the clinical significance of this variant is uncertain due to the absence of conclusive functional and genetic evidence.